The following is an entry in ClinVar:

NM_016139.4(CHCHD2):c.115C>A (p.Pro39Thr)

Gene: CHCHD2 (coiled-coil-helix-coiled-coil-helix domain containing 2; minus strand). Cytogenetic location: 7p11.2.
Variant type: single nucleotide variant.
Coding change: c.115C>A on transcript NM_016139.4 (MANE Select); coding-DNA position 115, C replaced by A.
Protein change: p.Pro39Thr; replaces proline 39 with threonine.
Molecular consequence: missense variant.
Genome position (GRCh38, 1-based): chr7:56,104,411, G>T on the plus strand (C>A on the coding strand, the complement: CHCHD2 is on the minus strand). VCF-style: chr7-56104411-G-T. GRCh37 (hg19) VCF-style: chr7-56172104-G-T.
Other names: c.115C>A (NM_016139.2); c.115C>A, p.Pro39Thr (NM_001320327.2); short protein forms P39T.
Identifiers: ClinVar variation 1722436 (VCV001722436.8), dbSNP rs762109397, ClinGen allele CA4270577.

ClinVar aggregate classification (germline): Uncertain significance. Review status: criteria provided, multiple submitters, no conflicts (2 of 4 stars). 4 submissions from 4 submitters: Uncertain significance (4). Last evaluated 2026-01-01.

Allele frequency attached by ClinVar (database versions not stated): ExAC 0.00001; gnomAD 0.00002; gnomAD exomes 0.00004.

Submissions (4):

CeGaT Center for Human Genetics Tuebingen
Classification: Uncertain significance. Last evaluated: 2026-01-01. Review status: criteria provided, single submitter. Criteria: CeGaT Center For Human Genetics Tuebingen Variant Classification Criteria Version 2. Collection method: clinical testing. Allele origin: germline. Affected: yes. Observed: 1 variant allele.
Comment: CHCHD2: PM2:Supporting, BP4

Labcorp Genetics (formerly Invitae), Labcorp
Classification: Uncertain significance. Last evaluated: 2024-09-06. Review status: criteria provided, single submitter. Criteria: Invitae Variant Classification Sherloc (09022015). Collection method: clinical testing. Allele origin: germline.
Comment: This sequence change replaces proline, which is neutral and non-polar, with threonine, which is neutral and polar, at codon 39 of the CHCHD2 protein (p.Pro39Thr). This variant is present in population databases (rs762109397, gnomAD 0.002%). This variant has not been reported in the literature in individuals affected with CHCHD2-related conditions. ClinVar contains an entry for this variant (Variation ID: 1722436). Experimental studies and prediction algorithms are not available or were not evaluated, and the functional significance of this variant is currently unknown. In summary, the available evidence is currently insufficient to determine the role of this variant in disease. Therefore, it has been classified as a Variant of Uncertain Significance.

Ambry Genetics
Classification: Uncertain significance. Last evaluated: 2023-12-28. Review status: criteria provided, single submitter. Criteria: Ambry Variant Classification Scheme 2023. Collection method: clinical testing. Allele origin: germline.

Women's Health and Genetics/Laboratory Corporation of America, LabCorp
Classification: Uncertain significance. Last evaluated: 2022-09-29. Review status: criteria provided, single submitter. Criteria: LabCorp Variant Classification Summary - May 2015. Collection method: clinical testing. Allele origin: germline.
Comment: Variant summary: CHCHD2 c.115C>A (p.Pro39Thr) results in a non-conservative amino acid change in the encoded protein sequence. Three of five in-silico tools predict a benign effect of the variant on protein function. The variant allele was found at a frequency of 8.2e-06 in 243168 control chromosomes (gnomAD). The available data on variant occurrences in the general population are insufficient to allow any conclusion about variant significance. To our knowledge, no occurrence of c.115C>A in individuals affected with Parkinson Disease 22, Autosomal Dominant and no experimental evidence demonstrating its impact on protein function have been reported. No clinical diagnostic laboratories have submitted clinical-significance assessments for this variant to ClinVar after 2014. Based on the evidence outlined above, the variant was classified as uncertain significance.